The following is an entry in ClinVar:

ClinVar aggregate classification (germline): Uncertain significance. Review status: criteria provided, multiple submitters, no conflicts (2 of 4 stars). 2 submissions from 2 submitters: Uncertain significance (2). Last evaluated 2021-12-30.

Conditions:
Inborn genetic diseases. Identifiers: MedGen C0950123, MeSH D030342.
Cortical dysplasia-focal epilepsy syndrome (PTHSL1). Also called: Pitt-Hopkins-like syndrome 1. Identifiers: Orphanet 163681, Orphanet 221150, MedGen C2750246, MONDO:0012400, OMIM 610042.

Allele frequency attached by ClinVar (database versions not stated): gnomAD exomes 0.00001; TOPMed 0.00001.
gnomAD v4.1: 7 of 1,613,984 alleles (0.00043%); highest among the groups gnomAD compares: South Asian, 0.0011%; no homozygotes.

Submissions (2):

Labcorp Genetics (formerly Invitae), Labcorp
Classification: Uncertain significance for Cortical dysplasia-focal epilepsy syndrome. Last evaluated: 2021-12-30. Review status: criteria provided, single submitter. Criteria: Invitae Variant Classification Sherloc (09022015). Collection method: clinical testing. Allele origin: germline.
Comment: This variant has not been reported in the literature in individuals affected with CNTNAP2-related conditions. In summary, the available evidence is currently insufficient to determine the role of this variant in disease. Therefore, it has been classified as a Variant of Uncertain Significance. Algorithms developed to predict the effect of missense changes on protein structure and function are either unavailable or do not agree on the potential impact of this missense change (SIFT: "Deleterious"; PolyPhen-2: "Possibly Damaging"; Align-GVGD: "Class C0"). This variant is not present in population databases (gnomAD no frequency). This sequence change replaces aspartic acid, which is acidic and polar, with asparagine, which is neutral and polar, at codon 475 of the CNTNAP2 protein (p.Asp475Asn).

Ambry Genetics
Classification: Uncertain significance for Inborn genetic diseases. Last evaluated: 2018-04-06. Review status: criteria provided, single submitter. Criteria: Ambry Variant Classification Scheme 2023. Collection method: clinical testing. Allele origin: germline.
Comment: The p.D475N variant (also known as c.1423G>A), located in coding exon 9 of the CNTNAP2 gene, results from a G to A substitution at nucleotide position 1423. The aspartic acid at codon 475 is replaced by asparagine, an amino acid with highly similar properties. This amino acid position is highly conserved in available vertebrate species. In addition, this alteration is predicted to be tolerated by in silico analysis. Since supporting evidence is limited at this time, the clinical significance of this alteration remains unclear.

NM_014141.6(CNTNAP2):c.1423G>A (p.Asp475Asn)

Gene: CNTNAP2 (contactin associated protein 2; plus strand). Cytogenetic location: 7q35.
Variant type: single nucleotide variant.
Coding change: c.1423G>A on transcript NM_014141.6 (MANE Select); coding-DNA position 1423, G replaced by A.
Protein change: p.Asp475Asn; replaces aspartic acid 475 with asparagine.
Molecular consequence: missense variant.
Genome position (GRCh38, 1-based): chr7:147,300,215, G>A. VCF-style: chr7-147300215-G-A. GRCh37 (hg19) VCF-style: chr7-146997307-G-A.
Other names: short protein forms D475N.
Identifiers: ClinVar variation 1416762 (VCV001416762.6), dbSNP rs1584856361, ClinGen allele CA369925192.